The following is an entry in ClinVar:

NM_001079520.2(DACT1):c.1017T>C (p.Val339=)

Gene: DACT1 (dishevelled binding antagonist of beta catenin 1; plus strand). Cytogenetic location: 14q23.1.
Variant type: single nucleotide variant.
Coding change: c.1017T>C on transcript NM_001079520.2 (MANE Select); coding-DNA position 1017, T replaced by C.
Protein change: p.Val339=; no amino-acid change (valine 339 retained).
Molecular consequence: synonymous variant. On other transcripts: non-coding transcript variant (5).
Genome position (GRCh38, 1-based): chr14:58,645,751, T>C. VCF-style: chr14-58645751-T-C. GRCh37 (hg19) VCF-style: chr14-59112469-T-C.
Other names: c.1128T>C, p.Val376= (NM_016651.6).
Identifiers: ClinVar variation 3049750 (VCV003049750.2), dbSNP rs145747677, ClinGen allele CA7206712.

ClinVar aggregate classification (germline): Likely benign (0 of 4 stars; one submission).

Conditions:
DACT1-related disorder. Also called: DACT1-related condition.

Allele frequency attached by ClinVar (database versions not stated): gnomAD exomes 0.00008; ExAC 0.00013; 1000 Genomes Project 0.00060; ESP Exome Variant Server 0.00062; gnomAD 0.00063; TOPMed 0.00068; 1000 Genomes Project 30x 0.00078.
gnomAD v4.1: 216 of 1,614,210 alleles (0.013%); highest among the groups gnomAD compares: African/African-American, 0.26%; 1 homozygote.

Submission:

PreventionGenetics, part of Exact Sciences
Classification: Likely benign for DACT1-related condition. Last evaluated: 2019-07-13. Review status: no assertion criteria provided. Collection method: clinical testing. Allele origin: germline.
Comment: This variant is classified as likely benign based on ACMG/AMP sequence variant interpretation guidelines (Richards et al. 2015 PMID: 25741868, with internal and published modifications).